The following is an entry in ClinVar:

NM_001256071.3(RNF213):c.4982C>T (p.Thr1661Met)

Gene: RNF213 (ring finger protein 213; plus strand). Cytogenetic location: 17q25.3.
Variant type: single nucleotide variant.
Coding change: c.4982C>T on transcript NM_001256071.3 (MANE Select); coding-DNA position 4982, C replaced by T.
Protein change: p.Thr1661Met; replaces threonine 1661 with methionine.
Molecular consequence: missense variant.
Genome position (GRCh38, 1-based): chr17:80,339,349, C>T. VCF-style: chr17-80339349-C-T. GRCh37 (hg19) VCF-style: chr17-78313149-C-T.
Other names: c.5129C>T, p.Thr1710Met (NM_001410195.1, NM_020914.5); short protein forms T1661M, T1710M.
Identifiers: ClinVar variation 3046414 (VCV003046414.4), dbSNP rs144944826, ClinGen allele CA8820310.

ClinVar aggregate classification (germline): Benign. Review status: criteria provided, single submitter (1 of 4 stars). 2 submissions from 2 submitters: Benign (1). 1 of the submissions does not count toward it. Last evaluated 2024-12-04.

Conditions:
RNF213-related disorder. Also called: RNF213-related condition.

Allele frequency attached by ClinVar (database versions not stated): ExAC 0.00011; 1000 Genomes Project 30x 0.00031; 1000 Genomes Project 0.00040; ESP Exome Variant Server 0.00044; gnomAD 0.00056; TOPMed 0.00066.
gnomAD v4.1: 196 of 1,537,182 alleles (0.013%); highest among the groups gnomAD compares: African/African-American, 0.19%; no homozygotes.

Submissions (2):

Labcorp Genetics (formerly Invitae), Labcorp
Classification: Benign. Last evaluated: 2024-12-04. Review status: criteria provided, single submitter. Criteria: Invitae Variant Classification Sherloc (09022015). Collection method: clinical testing. Allele origin: germline.

PreventionGenetics, part of Exact Sciences
Classification: Likely benign for RNF213-related condition. Last evaluated: 2023-04-14. Review status: no assertion criteria provided. Collection method: clinical testing. Allele origin: germline. Not counted in ClinVar's aggregate classification.
Comment: This variant is classified as likely benign based on ACMG/AMP sequence variant interpretation guidelines (Richards et al. 2015 PMID: 25741868, with internal and published modifications).